The following is an entry in ClinVar:

ClinVar aggregate classification (germline): Uncertain significance. Review status: criteria provided, multiple submitters, no conflicts (2 of 4 stars). 4 submissions from 4 submitters: Uncertain significance (4). Last evaluated 2024-03-28.

Conditions:
CCNO-related disorder. Also called: CCNO-related condition.
Primary ciliary dyskinesia. Also called: Ciliary dyskinesia. Identifiers: Orphanet 244, MedGen C0008780, MONDO:0016575, HP:0012265.

Allele frequency attached by ClinVar (database versions not stated): gnomAD exomes 0.00006 and 0.00017; 1000 Genomes Project 30x 0.00016; ExAC 0.00034; gnomAD 0.00052 and 0.00059; TOPMed 0.00057; ESP Exome Variant Server 0.00070.

Submissions (4):

Blueprint Genetics
Classification: Uncertain significance. Last evaluated: 2024-03-28. Review status: criteria provided, single submitter. Criteria: ACMG Guidelines, 2015. Collection method: clinical testing. Allele origin: germline.

PreventionGenetics, part of Exact Sciences
Classification: Uncertain significance for CCNO-related condition. Last evaluated: 2023-04-11. Review status: criteria provided, single submitter. Criteria: ACMG Guidelines, 2015. Collection method: clinical testing. Allele origin: germline.
Comment: The CCNO c.685G>A variant is predicted to result in the amino acid substitution p.Gly229Ser. To our knowledge, this variant has not been reported in the literature. This variant is reported in 0.19% of alleles in individuals of African descent in gnomAD. Although we suspect that this variant may be benign, at this time, the clinical significance of this variant is uncertain due to the absence of conclusive functional and genetic evidence.

Labcorp Genetics (formerly Invitae), Labcorp
Classification: Uncertain significance for Primary ciliary dyskinesia. Last evaluated: 2022-09-07. Review status: criteria provided, single submitter. Criteria: Invitae Variant Classification Sherloc (09022015). Collection method: clinical testing. Allele origin: germline.
Comment: This sequence change replaces glycine, which is neutral and non-polar, with serine, which is neutral and polar, at codon 229 of the CCNO protein (p.Gly229Ser). This variant is present in population databases (rs139980939, gnomAD 0.2%). This variant has not been reported in the literature in individuals affected with CCNO-related conditions. ClinVar contains an entry for this variant (Variation ID: 411595). Algorithms developed to predict the effect of missense changes on protein structure and function are either unavailable or do not agree on the potential impact of this missense change (SIFT: "Deleterious"; PolyPhen-2: "Benign"; Align-GVGD: "Class C0"). In summary, the available evidence is currently insufficient to determine the role of this variant in disease. Therefore, it has been classified as a Variant of Uncertain Significance.

Breakthrough Genomics
Classification: Uncertain significance. Review status: criteria provided, single submitter. Criteria: ACMG Guidelines, 2015. Collection method: not provided. Allele origin: germline. Inheritance: Autosomal recessive inheritance. Affected: yes.

NM_021147.5(CCNO):c.685G>A (p.Gly229Ser)

Gene: CCNO (cyclin O; minus strand). Cytogenetic location: 5q11.2.
Variant type: single nucleotide variant.
Coding change: c.685G>A on transcript NM_021147.5 (MANE Select); coding-DNA position 685, G replaced by A.
Protein change: p.Gly229Ser; replaces glycine 229 with serine.
Molecular consequence: missense variant. On other transcripts: non-coding transcript variant (3).
Genome position (GRCh38, 1-based): chr5:55,231,743, C>T on the plus strand (G>A on the coding strand, the complement: CCNO is on the minus strand). VCF-style: chr5-55231743-C-T. GRCh37 (hg19) VCF-style: chr5-54527571-C-T.
Other names: short protein forms G229S.
Identifiers: ClinVar variation 411595 (VCV000411595.11), dbSNP rs139980939, ClinGen allele CA3266705.